The following is an entry in ClinVar:

NM_000719.7(CACNA1C):c.1477C>A (p.Leu493Met)

Gene: CACNA1C (calcium voltage-gated channel subunit alpha1 C; plus strand). Cytogenetic location: 12p13.33.
Variant type: single nucleotide variant.
Coding change: c.1477C>A on transcript NM_000719.7 (MANE Select); coding-DNA position 1477, C replaced by A.
Protein change: p.Leu493Met; replaces leucine 493 with methionine.
Molecular consequence: missense variant.
Genome position (GRCh38, 1-based): chr12:2,550,029, C>A. VCF-style: chr12-2550029-C-A. GRCh37 (hg19) VCF-style: chr12-2659195-C-A.
Other names: c.1477C>A, p.Leu493Met (NM_001129840.2, NM_001129841.2, NM_001129842.2 and 18 more transcripts); c.1468C>A, p.Leu490Met (NM_001129844.2); short protein forms L493M, L490M.
Identifiers: ClinVar variation 581264 (VCV000581264.19), dbSNP rs376530064, ClinGen allele CA6388742.

ClinVar aggregate classification (germline): Conflicting classifications of pathogenicity. Review status: criteria provided, conflicting classifications (1 of 4 stars). 3 submissions from 3 submitters: Uncertain significance (1); Benign (1); Likely benign (1). Last evaluated 2025-10-28.

Conditions:
Timothy syndrome (TS). Also called: LONG QT SYNDROME WITH SYNDACTYLY. Identifiers: Orphanet 65283, MedGen C1832916, MeSH C536962, MONDO:0010979, OMIM 601005.
Long QT syndrome 8. Identifiers: MedGen CN260585, MONDO:0032756, OMIM 618447.
Cardiovascular phenotype. Identifiers: MedGen CN230736.
Long QT syndrome (LQTS). Identifiers: MedGen C0023976, MeSH D008133, MONDO:0002442. Disease mechanism: loss of function. Inheritance: Various modes of inheritance.

Allele frequency attached by ClinVar (database versions not stated): TOPMed 0.00006; ExAC 0.00007; gnomAD 0.00003 and 0.00004; gnomAD exomes 0.00004 and 0.00013; ESP Exome Variant Server 0.00008.
gnomAD v4.1: 186 of 1,601,512 alleles (0.012%); highest among the groups gnomAD compares: Non-Finnish European, 0.015%; no homozygotes.

Submissions (3):

Labcorp Genetics (formerly Invitae), Labcorp
Classification: Likely benign for Long QT syndrome. Last evaluated: 2025-10-28. Review status: criteria provided, single submitter. Criteria: Invitae Variant Classification Sherloc (09022015). Collection method: clinical testing. Allele origin: germline.

Ambry Genetics
Classification: Benign for Cardiovascular phenotype. Last evaluated: 2022-01-06. Review status: criteria provided, single submitter. Criteria: Ambry Variant Classification Scheme 2023. Collection method: clinical testing. Allele origin: germline.

ARUP Laboratories, Molecular Genetics and Genomics, ARUP Laboratories
Classification: Uncertain significance. Last evaluated: 2021-01-12. Review status: criteria provided, single submitter. Criteria: ARUP Molecular Germline Variant Investigation Process 2021. Collection method: clinical testing. Allele origin: germline.
Comment: The CACNA1C c.1477C>A; p.Leu493Met variant (rs376530064), to our knowledge, is not reported in the medical literature but is reported in ClinVar (Variation ID: 581264). This variant is found in the general population with an overall allele frequency of 0.004% (11/257970 alleles) in the Genome Aggregation Database. The leucine at codon 493 is moderately conserved, and computational analyses (SIFT, PolyPhen-2) predict that this variant is tolerated. However, given the lack of clinical and functional data, the significance of the p.Leu493Met variant is uncertain at this time.